The following is an entry in ClinVar:

NM_020778.5(ALPK3):c.678_685dup (p.Gly229delinsAspTer)

Gene: ALPK3 (alpha kinase 3; plus strand). Cytogenetic location: 15q25.3.
Variant type: Duplication.
Coding change: c.678_685dup on transcript NM_020778.5 (MANE Select); coding-DNA positions 678 to 685, 8 bases duplicated (ATTGAGCG; older notation c.678_685dupATTGAGCG).
Protein change: p.Gly229delinsAspTer.
Molecular consequence: nonsense.
Genome position (GRCh38, 1-based): chr15:84,839,957-84,839,964, ATTGAGCG duplicated; duplicating any 8 consecutive bases within chr15:84,839,954-84,839,964 gives the same sequence; the c. name uses the placement nearest the transcript's 3' end. VCF-style (leftmost placement, unchanged base first): chr15-84839953-G-GGCGATTGA. GRCh37 (hg19) VCF-style: chr15-85383184-G-GGCGATTGA.
Identifiers: ClinVar variation 1768508 (VCV001768508.2), dbSNP rs1963639299, ClinGen allele CA2580090116.

ClinVar aggregate classification (germline): Likely pathogenic (1 of 4 stars; one submission).

Conditions:
Cardiovascular phenotype. Identifiers: MedGen CN230736.

Submission:

Ambry Genetics
Classification: Likely pathogenic for Cardiovascular phenotype. Last evaluated: 2021-08-06. Review status: criteria provided, single submitter. Criteria: Ambry Variant Classification Scheme 2023. Collection method: clinical testing. Allele origin: germline.
Comment: The c.1284_1291dupATTGAGCG variant, located in coding exon 5 of the ALPK3 gene, results from a duplication of ATTGAGCG at nucleotide position 1284, causing a translational frameshift with a predicted alternate stop codon (p.G431Dfs*2). This alteration is expected to result in loss of function by premature protein truncation or nonsense-mediated mRNA decay. Based on the majority of available evidence to date, this variant is likely to be pathogenic.